The following is an entry in ClinVar:

ClinVar aggregate classification (germline): Pathogenic/Likely pathogenic. Review status: criteria provided, multiple submitters, no conflicts (2 of 4 stars). 5 submissions from 5 submitters: Pathogenic (2); Likely pathogenic (3). Last evaluated 2026-08-27.

Conditions:
Congenital factor VII deficiency. Identifiers: Orphanet 327, MedGen C0272320, MONDO:0009211, OMIM 227500.
Myocardial infarction, susceptibility to. Identifiers: MedGen C1832662, MONDO:0012039, OMIM 608446.
F7-related disorder. Also called: F7-related condition.

Allele frequency attached by ClinVar (database versions not stated): gnomAD 0.00001; TOPMed 0.00002.
gnomAD v4.1: 47 of 1,588,222 alleles (0.003%); highest among the groups gnomAD compares: Non-Finnish European, 0.0039%; no homozygotes.

Submissions (5):

PreventionGenetics, part of Exact Sciences
Classification: Likely pathogenic for F7-related condition. Last evaluated: 2026-08-27. Review status: criteria provided, single submitter. Criteria: ACMG Guidelines, 2015. Collection method: clinical testing. Allele origin: germline.
Comment: The F7 c.571+78G>A variant is predicted to interfere with splicing. This variant has been reported in the homozygous state or with a second F7 variant in multiple individuals with factor VII deficiency (Ferraresi et al. 2020. PubMed ID: 31273093; Ouardani C. et al. 2022. PubMed ID: 35802509). It has also been reported in additional factor VII deficiency cohorts without individual patient details (Qu et al. 2023. PubMed ID: 36229963 ; Halimeh et al. 2023. PubMed ID: 38202056). RT-PCR studies suggest this variant affects splicing (Ferraresi et al. 2020. PubMed ID: 31273093). This variant does not have coverage in gnomAD v2. However, in gnomAD v4 (available only on GRCh38), this variant is reported in 0.00039% of alleles in the non-Finnish European subpopulation. This variant is interpreted as likely pathogenic.

Fulgent Genetics
Classification: Likely pathogenic for Congenital factor VII deficiency; Myocardial infarction, susceptibility to. Last evaluated: 2024-03-15. Review status: criteria provided, single submitter. Criteria: ACMG Guidelines, 2015. Collection method: clinical testing. Allele origin: germline.

GeneDx
Classification: Pathogenic. Last evaluated: 2024-03-15. Review status: criteria provided, single submitter. Criteria: GeneDx Variant Classification Process June 2021. Collection method: clinical testing. Allele origin: germline. Affected: yes.
Comment: Functional studies indicate that this variant creates a cryptic splice donor site and a frameshift, resulting in a null allele in a gene for which loss-of-function is a known mechanism of disease (PMID: 31273093); No data available from control populations to assess the frequency of this variant; This variant is associated with the following publications: (PMID: 31273093, 36229963, 35802509, 37761907)

Clinical Genetics Laboratory, Skane University Hospital Lund
Classification: Pathogenic. Last evaluated: 2023-08-25. Review status: criteria provided, single submitter. Criteria: ACMG Guidelines, 2015. Collection method: clinical testing. Allele origin: germline. Affected: yes.

ISTH-SSC Genomics in Thrombosis and Hemostasis, KU Leuven, Center for Molecular and Vascular Biology
Classification: Likely pathogenic for Congenital factor VII deficiency. Review status: criteria provided, single submitter. Criteria: ACMG Guidelines, 2015. Collection method: clinical testing. Allele origin: germline. Affected: yes. Observed: 1 homozygote.
Comment: Submitted to GoldVariant by Kathleen Freson, Center for Molecular and Vascular Biology, Leuven, Belgium

Literature cited by the submitters: PubMed 31273093 (cited by ISTH-SSC Genomics in Thrombosis and Hemostasis, KU Leuven, Center for Molecular and Vascular Biology).

NM_019616.4(F7):c.505+78G>A

Gene: F7 (coagulation factor VII; plus strand). Cytogenetic location: 13q34.
Variant type: single nucleotide variant.
Coding change: c.505+78G>A on transcript NM_019616.4 (MANE Select); 78 bases into the intron after coding-DNA position 505, G replaced by A.
Molecular consequence: intron variant.
Genome position (GRCh38, 1-based): chr13:113,115,878, G>A. VCF-style: chr13-113115878-G-A. GRCh37 (hg19) VCF-style: chr13-113770192-G-A.
Other names: c.571+78G>A (NM_000131.5); c.319+78G>A (NM_001267554.2).
Identifiers: ClinVar variation 1678759 (VCV001678759.8), dbSNP rs764741909, ClinGen allele CA256459479.